The following is an entry in ClinVar:

NM_003680.4(YARS1):c.1361C>T (p.Pro454Leu)

Gene: YARS1 (tyrosyl-tRNA synthetase 1; minus strand). Cytogenetic location: 1p35.1.
Variant type: single nucleotide variant.
Coding change: c.1361C>T on transcript NM_003680.4 (MANE Select); coding-DNA position 1361, C replaced by T.
Protein change: p.Pro454Leu; replaces proline 454 with leucine.
Molecular consequence: missense variant.
Genome position (GRCh38, 1-based): chr1:32,779,497, G>A on the plus strand (C>T on the coding strand, the complement: YARS1 is on the minus strand). VCF-style: chr1-32779497-G-A. GRCh37 (hg19) VCF-style: chr1-33245098-G-A.
Other names: short protein forms P454L.
Identifiers: ClinVar variation 806106 (VCV000806106.46), dbSNP rs1569705205, ClinGen allele CA339680831.

ClinVar aggregate classification (germline): Uncertain significance. Review status: criteria provided, multiple submitters, no conflicts (2 of 4 stars). 2 submissions from 2 submitters: Uncertain significance (2). Last evaluated 2023-03-22.

Conditions:
Charcot-Marie-Tooth disease dominant intermediate C (CMTDIC). Also called: CHARCOT-MARIE-TOOTH NEUROPATHY, DOMINANT INTERMEDIATE C. Identifiers: Orphanet 100045, MedGen C1842237, MONDO:0012012, OMIM 608323.

gnomAD v4.1: 3 of 1,614,226 alleles (0.00019%); highest among the groups gnomAD compares: Non-Finnish European, 0.00025%; no homozygotes.

Submissions (2):

Labcorp Genetics (formerly Invitae), Labcorp
Classification: Uncertain significance for Charcot-Marie-Tooth disease dominant intermediate C. Last evaluated: 2023-03-22. Review status: criteria provided, single submitter. Criteria: Invitae Variant Classification Sherloc (09022015). Collection method: clinical testing. Allele origin: germline.
Comment: This variant has not been reported in the literature in individuals affected with YARS-related conditions. This sequence change replaces proline, which is neutral and non-polar, with leucine, which is neutral and non-polar, at codon 454 of the YARS protein (p.Pro454Leu). This variant is not present in population databases (gnomAD no frequency). ClinVar contains an entry for this variant (Variation ID: 806106). Advanced modeling of protein sequence and biophysical properties (such as structural, functional, and spatial information, amino acid conservation, physicochemical variation, residue mobility, and thermodynamic stability) performed at Invitae indicates that this missense variant is not expected to disrupt YARS protein function. In summary, the available evidence is currently insufficient to determine the role of this variant in disease. Therefore, it has been classified as a Variant of Uncertain Significance.

CeGaT Center for Human Genetics Tuebingen
Classification: Uncertain significance. Last evaluated: 2016-05-01. Review status: criteria provided, single submitter. Criteria: CeGaT Center For Human Genetics Tuebingen Variant Classification Criteria Version 2. Collection method: clinical testing. Allele origin: germline. Affected: yes. Observed: 1 variant allele.